The following is an entry in ClinVar:

NM_000373.4(UMPS):c.215G>T (p.Cys72Phe)

Gene: UMPS (uridine monophosphate synthetase; plus strand). Cytogenetic location: 3q21.2.
Variant type: single nucleotide variant.
Coding change: c.215G>T on transcript NM_000373.4 (MANE Select); coding-DNA position 215, G replaced by T.
Protein change: p.Cys72Phe; replaces cysteine 72 with phenylalanine.
Molecular consequence: missense variant. On other transcripts: non-coding transcript variant (1).
Genome position (GRCh38, 1-based): chr3:124,735,151, G>T. VCF-style: chr3-124735151-G-T. GRCh37 (hg19) VCF-style: chr3-124453998-G-T.
Other names: short protein forms C72F.
Identifiers: ClinVar variation 4528270 (VCV004528270.2).

ClinVar aggregate classification (germline): Uncertain significance. Review status: criteria provided, multiple submitters, no conflicts (2 of 4 stars). 2 submissions from 2 submitters: Uncertain significance (2). Last evaluated 2026-02-17.

Conditions:
Inborn genetic diseases. Identifiers: MedGen C0950123, MeSH D030342.

gnomAD v4.1: 4 of 1,614,048 alleles (0.00025%); highest among the groups gnomAD compares: Non-Finnish European, 0.00034%; no homozygotes.

Submissions (2):

Ambry Genetics
Classification: Uncertain significance for Inborn genetic diseases. Last evaluated: 2026-02-17. Review status: criteria provided, single submitter. Criteria: Ambry Variant Classification Scheme 2023. Collection method: clinical testing. Allele origin: germline.

GeneDx
Classification: Uncertain significance. Last evaluated: 2025-04-08. Review status: criteria provided, single submitter. Criteria: GeneDx Variant Classification Process June 2021. Collection method: clinical testing. Allele origin: germline. Affected: yes.
Comment: Not observed at significant frequency in large population cohorts (gnomAD); In silico analysis supports that this missense variant has a deleterious effect on protein structure/function; Has not been previously published as pathogenic or benign to our knowledge